The following is an entry in ClinVar:

NM_012434.5(SLC17A5):c.968A>G (p.Asn323Ser)

Gene: SLC17A5 (solute carrier family 17 member 5; minus strand). Cytogenetic location: 6q13.
Variant type: single nucleotide variant.
Coding change: c.968A>G on transcript NM_012434.5 (MANE Select); coding-DNA position 968, A replaced by G.
Protein change: p.Asn323Ser; replaces asparagine 323 with serine.
Molecular consequence: missense variant. On other transcripts: intron variant (1).
Genome position (GRCh38, 1-based): chr6:73,621,814, T>C on the plus strand (A>G on the coding strand, the complement: SLC17A5 is on the minus strand). VCF-style: chr6-73621814-T-C. GRCh37 (hg19) VCF-style: chr6-74331537-T-C.
Other names: p.Asn323Ser; c.737A>G, p.Asn246Ser (NM_001382629.1); c.968A>G, p.Asn323Ser (NM_001382630.1, NM_001382633.1); c.989A>G, p.Asn330Ser (NM_001382631.1); c.881A>G, p.Asn294Ser (NM_001382632.1); c.965A>G, p.Asn322Ser (NM_001382635.1); c.650A>G, p.Asn217Ser (NM_001382636.1); c.820-6367A>G (NM_001382634.1); and 1 more; short protein forms N217S, N246S, N294S, N322S, N323S, N330S.
Identifiers: ClinVar variation 2435976 (VCV002435976.6), dbSNP rs768647620, ClinGen allele CA3890388.

ClinVar aggregate classification (germline): Conflicting classifications of pathogenicity. Review status: criteria provided, conflicting classifications (1 of 4 stars). 3 submissions from 3 submitters: Uncertain significance (2); Likely benign (1). Last evaluated 2026-01-22.

Conditions:
Inborn genetic diseases. Identifiers: MedGen C0950123, MeSH D030342.

Allele frequency attached by ClinVar (database versions not stated): ExAC 0.00001; gnomAD 0.00001; gnomAD exomes 0.00001.
gnomAD v4.1: 15 of 1,608,042 alleles (0.00093%); highest among the groups gnomAD compares: South Asian, 0.0044%; no homozygotes.

Submissions (3):

Ambry Genetics
Classification: Likely benign for Inborn genetic diseases. Last evaluated: 2026-01-22. Review status: criteria provided, single submitter. Criteria: Ambry Variant Classification Scheme 2023. Collection method: clinical testing. Allele origin: germline.

Mayo Clinic Laboratories, Mayo Clinic
Classification: Uncertain significance. Last evaluated: 2024-06-13. Review status: criteria provided, single submitter. Criteria: ACMG Guidelines, 2015. Collection method: clinical testing. Allele origin: germline. Observed: 1 variant allele.
Comment: BP4, PM2

Revvity Omics, Revvity
Classification: Uncertain significance. Last evaluated: 2021-12-22. Review status: criteria provided, single submitter. Criteria: ACMG Guidelines, 2015. Collection method: clinical testing. Allele origin: germline.